The following is an entry in ClinVar:

ClinVar aggregate classification (germline): Uncertain significance (1 of 4 stars; one submission).

Conditions:
Cryopyrin associated periodic syndrome (CAPS). Identifiers: Orphanet 208650, MedGen C2316212, MONDO:0016168.

Submission:

Labcorp Genetics (formerly Invitae), Labcorp
Classification: Uncertain significance for Cryopyrin associated periodic syndrome. Last evaluated: 2024-11-18. Review status: criteria provided, single submitter. Criteria: Invitae Variant Classification Sherloc (09022015). Collection method: clinical testing. Allele origin: germline.
Comment: This sequence change replaces aspartic acid, which is acidic and polar, with histidine, which is basic and polar, at codon 251 of the NLRP3 protein (p.Asp251His). This variant is not present in population databases (gnomAD no frequency). This variant has not been reported in the literature in individuals affected with NLRP3-related conditions. ClinVar contains an entry for this variant (Variation ID: 2859585). Invitae Evidence Modeling of protein sequence and biophysical properties (such as structural, functional, and spatial information, amino acid conservation, physicochemical variation, residue mobility, and thermodynamic stability) has been performed for this missense variant. However, the output from this modeling did not meet the statistical confidence thresholds required to predict the impact of this variant on NLRP3 protein function. In summary, the available evidence is currently insufficient to determine the role of this variant in disease. Therefore, it has been classified as a Variant of Uncertain Significance.

NM_001243133.2(NLRP3):c.745G>C (p.Asp249His)

Gene: NLRP3 (NLR family pyrin domain containing 3; plus strand). Cytogenetic location: 1q44.
Variant type: single nucleotide variant.
Coding change: c.745G>C on transcript NM_001243133.2 (MANE Select); coding-DNA position 745, G replaced by C.
Protein change: p.Asp249His; replaces aspartic acid 249 with histidine.
Molecular consequence: missense variant.
Genome position (GRCh38, 1-based): chr1:247,424,194, G>C. VCF-style: chr1-247424194-G-C. GRCh37 (hg19) VCF-style: chr1-247587496-G-C.
Other names: c.745G>C, p.Asp249His (NM_001079821.3, NM_001127461.3, NM_001127462.3 and 1 more transcripts); c.751G>C, p.Asp251His (NM_004895.5); short protein forms D251H, D249H.
Identifiers: ClinVar variation 2859585 (VCV002859585.3), dbSNP rs2527259433, ClinGen allele CA345555332.